The following is an entry in ClinVar:

NM_004415.4(DSP):c.2596C>T (p.Arg866Cys)

Gene: DSP (desmoplakin; plus strand). Cytogenetic location: 6p24.3.
Variant type: single nucleotide variant.
Coding change: c.2596C>T on transcript NM_004415.4 (MANE Select); coding-DNA position 2596, C replaced by T.
Protein change: p.Arg866Cys; replaces arginine 866 with cysteine.
Molecular consequence: missense variant.
Genome position (GRCh38, 1-based): chr6:7,575,454, C>T. VCF-style: chr6-7575454-C-T. GRCh37 (hg19) VCF-style: chr6-7575687-C-T.
Other names: p.R866C:CGC>TGC; c.2596C>T, p.Arg866Cys (NM_001008844.3, NM_001319034.2); short protein forms R866C.
Identifiers: ClinVar variation 44876 (VCV000044876.35), dbSNP rs142429411, ClinGen allele CA005421.

ClinVar aggregate classification (germline): Conflicting classifications of pathogenicity. Review status: criteria provided, conflicting classifications (1 of 4 stars). 14 submissions from 14 submitters: Uncertain significance (2); Benign (2); Likely benign (8). 2 of the submissions do not count toward it. Last evaluated 2026-01-21.

Conditions:
Cardiovascular phenotype. Identifiers: MedGen CN230736.
Cardiomyopathy (CMYO). Also called: Cardiomyopathies. Identifiers: Orphanet 167848, MedGen C0878544, MONDO:0004994, HP:0001638. Inheritance: Various modes of inheritance.
Arrhythmogenic right ventricular dysplasia 8 (ARVD8). Also called: ARRHYTHMOGENIC RIGHT VENTRICULAR DYSPLASIA, FAMILIAL, 8; ARRHYTHMOGENIC RIGHT VENTRICULAR CARDIOMYOPATHY 8; Arrhythmogenic Right Ventricular Dysplasia/Cardiomyopathy 8. Identifiers: MedGen C1843896, MONDO:0011831, OMIM 607450.
Arrhythmogenic cardiomyopathy with wooly hair and keratoderma. Also called: Dilated cardiomyopathy with woolly hair and keratoderma; Arrhythmogenic cardiomyopathy with woolly hair and keratoderma; PALMOPLANTAR KERATODERMA WITH LEFT VENTRICULAR CARDIOMYOPATHY AND WOOLLY HAIR; Carvajal syndrome. Identifiers: Orphanet 65282, MedGen C1854063, MONDO:0011581, OMIM 605676.
Arrhythmogenic right ventricular cardiomyopathy (ARVD). Also called: Arrhythmogenic cardiomyopathy; Arrhythmogenic Right Ventricular Cardiomyopathy (ARVC); Cardiomyopathy, ARVC; Arrhythmogenic right ventricular dysplasia. Identifiers: Orphanet 247, MedGen C0349788, MeSH D019571, MONDO:0016587. Disease mechanism: loss of function. Inheritance: Various modes of inheritance.

Allele frequency attached by ClinVar (database versions not stated): ExAC 0.00061; 1000 Genomes Project 30x 0.00141; 1000 Genomes Project 0.00160; gnomAD 0.00196 and 0.00214; ESP Exome Variant Server 0.00208; TOPMed 0.00217.
gnomAD v4.1: 545 of 1,614,106 alleles (0.034%); highest among the groups gnomAD compares: African/African-American, 0.65%; no homozygotes.

Submissions (14):

Labcorp Genetics (formerly Invitae), Labcorp
Classification: Benign for Arrhythmogenic cardiomyopathy with wooly hair and keratoderma; Arrhythmogenic right ventricular dysplasia 8. Last evaluated: 2026-01-21. Review status: criteria provided, single submitter. Criteria: Invitae Variant Classification Sherloc (09022015). Collection method: clinical testing. Allele origin: germline.

Mayo Clinic Laboratories, Mayo Clinic
Classification: Likely benign. Last evaluated: 2025-04-11. Review status: criteria provided, single submitter. Criteria: ACMG Guidelines, 2015. Collection method: clinical testing. Allele origin: germline. Observed: 3 variant alleles.
Comment: BS1

ARUP Laboratories, Molecular Genetics and Genomics, ARUP Laboratories
Classification: Uncertain significance. Last evaluated: 2025-03-25. Review status: criteria provided, single submitter. Criteria: ARUP Molecular Germline Variant Investigation Process 2024. Collection method: clinical testing. Allele origin: germline.
Comment: The DSP c.2596C>T; p.Arg866Cys variant (rs142429411, ClinVar Variation ID: 44876) is reported in the literature in individuals from cardiomyopathy cohorts (McGurk 2023, Pugh 2014) and in a healthy control (Kapplinger 2011). This variant is found primarily in the African/African-American population with an allele frequency of 0.6% (155/24960 alleles) in the Genome Aggregation Database (v2.1.1). Computational analyses are uncertain whether this variant is neutral or deleterious (REVEL: 0.619). While the high population frequency suggests that this is likely a benign variant, given the lack of clinical and functional data, the significance of this variant is uncertain at this time. References: Kapplinger JD et al. Distinguishing arrhythmogenic right ventricular cardiomyopathy/dysplasia-associated mutations from background genetic noise. J Am Coll Cardiol. 2011 Jun 7;57(23):2317-27. PMID: 21636032. McGurk KA et al. The penetrance of rare variants in cardiomyopathy-associated genes: A cross-sectional approach to estimating penetrance for secondary findings. Am J Hum Genet. 2023 Sep 7;110(9):1482-1495. PMID: 37652022. Pugh TJ et al. The landscape of genetic variation in dilated cardiomyopathy as surveyed by clinical DNA sequencing. Genet Med. 2014 Aug;16(8):601-8. doi: 10.1038/gim.2013.204. PMID: 24503780.

Molecular Diagnostic Laboratory for Inherited Cardiovascular Disease, Montreal Heart Institute
Classification: Likely benign. Last evaluated: 2025-02-17. Review status: criteria provided, single submitter. Criteria: ACMG Guidelines, 2015. Collection method: clinical testing. Allele origin: germline. Affected: no.

Blueprint Genetics
Classification: Likely benign. Last evaluated: 2024-10-16. Review status: criteria provided, single submitter. Criteria: ACMG Guidelines, 2015. Collection method: clinical testing. Allele origin: germline.

GeneDx
Classification: Likely benign. Last evaluated: 2021-03-09. Review status: criteria provided, single submitter. Criteria: GeneDx Variant Classification Process June 2021. Collection method: clinical testing. Allele origin: germline. Affected: yes.
Comment: This variant is associated with the following publications: (PMID: 21636032, 24503780)

Ambry Genetics
Classification: Likely benign for Cardiovascular phenotype. Last evaluated: 2019-02-04. Review status: criteria provided, single submitter. Criteria: Ambry Variant Classification Scheme 2023. Collection method: clinical testing. Allele origin: germline.

Color Diagnostics, LLC DBA Color Health
Classification: Benign for Cardiomyopathy. Last evaluated: 2018-10-20. Review status: criteria provided, single submitter. Criteria: ACMG Guidelines, 2015. Collection method: clinical testing. Allele origin: germline.

Women's Health and Genetics/Laboratory Corporation of America, LabCorp
Classification: Likely benign. Last evaluated: 2017-03-06. Review status: criteria provided, single submitter. Criteria: LabCorp Variant Classification Summary - May 2015. Collection method: clinical testing. Allele origin: germline.
Comment: Variant summary: The DSP c.2596C>T (p.Arg866Cys) variant involves the alteration of a conserved nucleotide, resulting in a missense substitution. 4/4 in silico tools predict a damaging outcome for this variant (SNPs&GO not captured due to low reliability index). The variant resides outside of any known functional domain (InterPro). This variant was found in 75/122246 control chromosomes, predominantly observed in the African subpopulation at a frequency of 0.006826 (71/10402). This frequency is about 683 times the estimated maximal expected allele frequency of a pathogenic DSP variant (0.00001), suggesting this is likely a benign polymorphism found primarily in populations of African origin. In addition, multiple clinical diagnostic laboratories/reputable databases classified this variant as likely benign. Taken together, this variant is classified as likely benign.

CHEO Genetics Diagnostic Laboratory, Children's Hospital of Eastern Ontario
Classification: Likely benign for Cardiomyopathy. Last evaluated: 2017-02-14. Review status: criteria provided, single submitter. Criteria: ACMG Guidelines, 2015. Collection method: clinical testing. Allele origin: germline. Study: Canadian Open Genetics Repository.

Genomic Diagnostic Laboratory, Division of Genomic Diagnostics, Children's Hospital of Philadelphia
Classification: Uncertain significance for Arrhythmogenic right ventricular cardiomyopathy. Last evaluated: 2015-10-13. Review status: criteria provided, single submitter. Criteria: DGD Variant Analysis Guidelines. Collection method: clinical testing. Allele origin: unknown.

Laboratory for Molecular Medicine, Mass General Brigham Personalized Medicine
Classification: Likely benign. Last evaluated: 2015-03-23. Review status: criteria provided, single submitter. Criteria: LMM Criteria. Collection method: clinical testing. Allele origin: germline. Observed: 6 variant alleles.
Comment: p.Arg866Cys in exon 18 of DSP: This variant is not expected to have clinical sig nificance because it has been identified in 0.7% (71/10402) of African chromosom es by the Exome Aggregation Consortium (ExAC; db SNP rs142429411).

Clinical Genetics DNA and cytogenetics Diagnostics Lab, Erasmus MC, Erasmus Medical Center
Classification: Likely benign. Review status: no assertion criteria provided. Collection method: clinical testing. Allele origin: germline. Affected: yes. Study: VKGL Data-share Consensus. Not counted in ClinVar's aggregate classification.

Clinical Genetics, Academic Medical Center
Classification: Likely benign. Review status: no assertion criteria provided. Collection method: clinical testing. Allele origin: germline. Affected: yes. Study: VKGL Data-share Consensus. Not counted in ClinVar's aggregate classification.

Literature cited by the submitters: PubMed 21636032 (cited by Women's Health and Genetics/Laboratory Corporation of America, LabCorp); PubMed 24503780 (cited by Women's Health and Genetics/Laboratory Corporation of America, LabCorp).